The following is an entry in ClinVar:

ClinVar aggregate classification (germline): Likely benign (0 of 4 stars; one submission).

Conditions:
DYRK1B-related disorder. Also called: DYRK1B-related condition.

gnomAD v4.1: 1 of 1,613,754 alleles (0.000062%); no homozygotes.

Submission:

PreventionGenetics, part of Exact Sciences
Classification: Likely benign for DYRK1B-related condition. Last evaluated: 2024-01-29. Review status: no assertion criteria provided. Collection method: clinical testing. Allele origin: germline.
Comment: This variant is classified as likely benign based on ACMG/AMP sequence variant interpretation guidelines (Richards et al. 2015 PMID: 25741868, with internal and published modifications).

NM_004714.3(DYRK1B):c.807+7G>A

Gene: DYRK1B (dual specificity tyrosine phosphorylation regulated kinase 1B; minus strand). Cytogenetic location: 19q13.2.
Variant type: single nucleotide variant.
Coding change: c.807+7G>A on transcript NM_004714.3 (MANE Select); 7 bases into the intron after coding-DNA position 807, G replaced by A.
Molecular consequence: intron variant.
Genome position (GRCh38, 1-based): chr19:39,828,290, C>T on the plus strand (G>A on the coding strand, the complement: DYRK1B is on the minus strand). VCF-style: chr19-39828290-C-T. GRCh37 (hg19) VCF-style: chr19-40318930-C-T.
Other names: c.807+7G>A (NM_006483.3, NM_006484.3).
Identifiers: ClinVar variation 3349472 (VCV003349472.1).